The following is an entry in ClinVar:

NM_000051.4(ATM):c.8052_8055del (p.Gln2684fs)

Genes: ATM (ATM serine/threonine kinase; plus strand), C11orf65 (chromosome 11 open reading frame 65; minus strand). Cytogenetic location: 11q22.3.
Variant type: Deletion.
Coding change: c.8052_8055del on transcript NM_000051.4 (MANE Select); coding-DNA positions 8052 to 8055, 4 bases deleted (GTCA; older notation c.8052_8055delGTCA).
Protein change: p.Gln2684fs; shifts the reading frame from glutamine 2684.
Molecular consequence: frameshift variant. On other transcripts: intron variant (2).
Genome position (GRCh38, 1-based): chr11:108,335,010-108,335,013, GTCA deleted; deleting any 4 consecutive bases within chr11:108,335,008-108,335,013 gives the same sequence; the c. name uses the placement nearest the transcript's 3' end. VCF-style (leftmost placement, unchanged base first): chr11-108335007-ACAGT-A. GRCh37 (hg19) VCF-style: chr11-108205734-ACAGT-A.
Other names: c.8052_8055del (NM_000051.3); c.8052_8055del, p.Gln2684fs (NM_001351834.2); c.641-25940_641-25937del (NM_001330368.2); c.*38+209_*38+212del (NM_001351110.2); short protein forms Q2684fs.
Identifiers: ClinVar variation 827424 (VCV000827424.14), dbSNP rs1591191412, ClinGen allele CA915948311.

ClinVar aggregate classification (germline): Pathogenic. Review status: criteria provided, multiple submitters, no conflicts (2 of 4 stars). 3 submissions from 3 submitters: Pathogenic (3). Last evaluated 2023-11-08.

Conditions:
Hereditary cancer-predisposing syndrome. Also called: Tumor predisposition; Neoplastic Syndromes, Hereditary; Hereditary Cancer Syndrome; Hereditary neoplastic syndrome. Identifiers: Orphanet 140162, MedGen C0027672, MeSH D009386, MONDO:0015356.
Familial cancer of breast. Also called: Hereditary breast cancer; BREAST CANCER, FAMILIAL; hereditary breast carcinoma. Identifiers: Orphanet 227535, MedGen C0346153, MONDO:0016419, OMIM 114480. Disease mechanism: loss of function.
Ataxia-telangiectasia syndrome (AT). Also called: ATAXIA-TELANGIECTASIA, COMPLEMENTATION GROUP A; ATAXIA-TELANGIECTASIA, FRESNO VARIANT; Ataxia-telangiectasia; Ataxia-telangiectasia, complementation group D; AT, COMPLEMENTATION GROUP C; Ataxia-telangiectasia, complementation group E. Identifiers: Orphanet 100, MedGen C0004135, MONDO:0008840, OMIM 208900.

Submissions (3):

Myriad Genetics, Inc.
Classification: Pathogenic for Familial cancer of breast. Last evaluated: 2023-11-08. Review status: criteria provided, single submitter. Criteria: Myriad Autosomal Dominant, Autosomal Recessive and X-Linked Classification Criteria (2023). Collection method: clinical testing. Allele origin: unknown.
Comment: This variant is considered pathogenic. This variant creates a frameshift predicted to result in premature protein truncation.

Ambry Genetics
Classification: Pathogenic for Hereditary cancer-predisposing syndrome. Last evaluated: 2023-08-15. Review status: criteria provided, single submitter. Criteria: Ambry Variant Classification Scheme 2023. Collection method: clinical testing. Allele origin: germline.
Comment: The c.8052_8055delGTCA pathogenic mutation, located in coding exon 54 of the ATM gene, results from a deletion of 4 nucleotides at nucleotide positions 8052 to 8055, causing a translational frameshift with a predicted alternate stop codon (p.Q2684Hfs*8). This variant is considered to be rare based on population cohorts in the Genome Aggregation Database (gnomAD). This alteration is expected to result in loss of function by premature protein truncation or nonsense-mediated mRNA decay. As such, this alteration is interpreted as a disease-causing mutation.

Labcorp Genetics (formerly Invitae), Labcorp
Classification: Pathogenic for Ataxia-telangiectasia syndrome. Last evaluated: 2020-03-06. Review status: criteria provided, single submitter. Criteria: Invitae Variant Classification Sherloc (09022015). Collection method: clinical testing. Allele origin: germline.
Comment: For these reasons, this variant has been classified as Pathogenic. Loss-of-function variants in ATM are known to be pathogenic (PMID: 23807571, 25614872). This variant has not been reported in the literature in individuals with ATM-related conditions. This variant is not present in population databases (ExAC no frequency). This sequence change creates a premature translational stop signal (p.Gln2684Hisfs*8) in the ATM gene. It is expected to result in an absent or disrupted protein product.

Literature cited by the submitters: PubMed 23807571 (cited by Labcorp Genetics (formerly Invitae), Labcorp); PubMed 25614872 (cited by Labcorp Genetics (formerly Invitae), Labcorp).